The following is an entry in ClinVar:

ClinVar aggregate classification (germline): Uncertain significance. Review status: criteria provided, multiple submitters, no conflicts (2 of 4 stars). 2 submissions from 2 submitters: Uncertain significance (2). Last evaluated 2025-08-06.

Allele frequency attached by ClinVar (database versions not stated): gnomAD 0.00001; gnomAD exomes 0.00001 and 0.00006; TOPMed 0.00002; ESP Exome Variant Server 0.00016.
gnomAD v4.1: 86 of 1,611,292 alleles (0.0053%); highest among the groups gnomAD compares: Non-Finnish European, 0.007%; no homozygotes.

Submissions (2):

Ambry Genetics
Classification: Uncertain significance. Last evaluated: 2025-08-06. Review status: criteria provided, single submitter. Criteria: Ambry Variant Classification Scheme 2023. Collection method: clinical testing. Allele origin: germline.

Labcorp Genetics (formerly Invitae), Labcorp
Classification: Uncertain significance. Last evaluated: 2023-08-10. Review status: criteria provided, single submitter. Criteria: Invitae Variant Classification Sherloc (09022015). Collection method: clinical testing. Allele origin: germline.
Comment: In summary, the available evidence is currently insufficient to determine the role of this variant in disease. Therefore, it has been classified as a Variant of Uncertain Significance. An algorithm developed to predict the effect of missense changes on protein structure and function (PolyPhen-2) suggests that this variant is likely to be tolerated. ClinVar contains an entry for this variant (Variation ID: 335560). This variant has not been reported in the literature in individuals affected with ZNF513-related conditions. This variant is present in population databases (rs374110410, gnomAD 0.003%). This sequence change replaces proline, which is neutral and non-polar, with threonine, which is neutral and polar, at codon 108 of the ZNF513 protein (p.Pro108Thr).

NM_144631.6(ZNF513):c.322C>A (p.Pro108Thr)

Gene: ZNF513 (zinc finger protein 513; minus strand). Cytogenetic location: 2p23.3.
Variant type: single nucleotide variant.
Coding change: c.322C>A on transcript NM_144631.6 (MANE Select); coding-DNA position 322, C replaced by A.
Protein change: p.Pro108Thr; replaces proline 108 with threonine.
Molecular consequence: missense variant.
Genome position (GRCh38, 1-based): chr2:27,378,944, G>T on the plus strand (C>A on the coding strand, the complement: ZNF513 is on the minus strand). VCF-style: chr2-27378944-G-T. GRCh37 (hg19) VCF-style: chr2-27601811-G-T.
Other names: c.136C>A, p.Pro46Thr (NM_001201459.2); short protein forms P108T, P46T.
Identifiers: ClinVar variation 335560 (VCV000335560.11), dbSNP rs374110410, ClinGen allele CA10613522.